The following is an entry in ClinVar:

NM_052844.4(DYNC2I2):c.289G>A (p.Val97Met)

Gene: DYNC2I2 (dynein 2 intermediate chain 2; minus strand). Cytogenetic location: 9q34.11.
Variant type: single nucleotide variant.
Coding change: c.289G>A on transcript NM_052844.4 (MANE Select); coding-DNA position 289, G replaced by A.
Protein change: p.Val97Met; replaces valine 97 with methionine.
Molecular consequence: missense variant.
Genome position (GRCh38, 1-based): chr9:128,640,837, C>T on the plus strand (G>A on the coding strand, the complement: DYNC2I2 is on the minus strand). VCF-style: chr9-128640837-C-T. GRCh37 (hg19) VCF-style: chr9-131403116-C-T.
Other names: c.289G>A (NM_052844.3); short protein forms V97M.
Identifiers: ClinVar variation 1681258 (VCV001681258.6), dbSNP rs748058396, ClinGen allele CA5266672.

ClinVar aggregate classification (germline): Uncertain significance. Review status: criteria provided, multiple submitters, no conflicts (2 of 4 stars). 2 submissions from 2 submitters: Uncertain significance (2). Last evaluated 2025-11-01.

Conditions:
Inborn genetic diseases. Identifiers: MedGen C0950123, MeSH D030342.
Short-rib thoracic dysplasia 11 with or without polydactyly (SRTD11). Also called: SHORT-RIB THORACIC DYSPLASIA 11 WITHOUT POLYDACTYLY. Identifiers: Orphanet 474, Orphanet 93271, MedGen C3810200, MONDO:0014287, OMIM 615633.

Allele frequency attached by ClinVar (database versions not stated): TOPMed 0.00008; gnomAD 0.00013 and 0.00012.
gnomAD v4.1: 113 of 1,613,850 alleles (0.007%); highest among the groups gnomAD compares: Middle Eastern, 0.016%; no homozygotes.

Submissions (2):

Labcorp Genetics (formerly Invitae), Labcorp
Classification: Uncertain significance for Short-rib thoracic dysplasia 11 with or without polydactyly. Last evaluated: 2025-11-01. Review status: criteria provided, single submitter. Criteria: Invitae Variant Classification Sherloc (09022015). Collection method: clinical testing. Allele origin: germline.
Comment: This sequence change replaces valine, which is neutral and non-polar, with methionine, which is neutral and non-polar, at codon 97 of the WDR34 protein (p.Val97Met). This variant is present in population databases (rs748058396, gnomAD 0.02%). This variant has not been reported in the literature in individuals affected with WDR34-related conditions. ClinVar contains an entry for this variant (Variation ID: 1681258). An algorithm developed to predict the effect of missense changes on protein structure and function outputs the following: PolyPhen-2: "Benign". The methionine amino acid residue is found in multiple mammalian species, which suggests that this missense change does not adversely affect protein function. In summary, the available evidence is currently insufficient to determine the role of this variant in disease. Therefore, it has been classified as a Variant of Uncertain Significance.

Ambry Genetics
Classification: Uncertain significance for Inborn genetic diseases. Last evaluated: 2025-06-16. Review status: criteria provided, single submitter. Criteria: Ambry Variant Classification Scheme 2023. Collection method: clinical testing. Allele origin: germline.